The following is an entry in ClinVar:

NM_007194.4(CHEK2):c.401A>T (p.Asp134Val)

Gene: CHEK2 (checkpoint kinase 2; minus strand). Cytogenetic location: 22q12.1.
Variant type: single nucleotide variant.
Coding change: c.401A>T on transcript NM_007194.4 (MANE Select); coding-DNA position 401, A replaced by T.
Protein change: p.Asp134Val; replaces aspartic acid 134 with valine.
Molecular consequence: missense variant.
Genome position (GRCh38, 1-based): chr22:28,725,286, T>A on the plus strand (A>T on the coding strand, the complement: CHEK2 is on the minus strand). VCF-style: chr22-28725286-T-A. GRCh37 (hg19) VCF-style: chr22-29121274-T-A.
Other names: c.401A>T, p.Asp134Val (NM_001349956.3, NM_145862.3); c.530A>T, p.Asp177Val (NM_001005735.3); c.-377A>T (NM_001257387.3); short protein forms D134V, D177V.
Identifiers: ClinVar variation 576461 (VCV000576461.14), dbSNP rs1404473412, ClinGen allele CA411108008.

ClinVar aggregate classification (germline): Uncertain significance. Review status: criteria provided, multiple submitters, no conflicts (2 of 4 stars). 3 submissions from 3 submitters: Uncertain significance (3). Last evaluated 2025-10-28.

Conditions:
Hereditary cancer-predisposing syndrome. Also called: Tumor predisposition; Hereditary neoplastic syndrome; Hereditary Cancer Syndrome; Neoplastic Syndromes, Hereditary. Identifiers: Orphanet 140162, MedGen C0027672, MeSH D009386, MONDO:0015356.
Familial cancer of breast. Also called: hereditary breast carcinoma; BREAST CANCER, FAMILIAL; Hereditary breast cancer. Identifiers: Orphanet 227535, MedGen C0346153, MONDO:0016419, OMIM 114480. Disease mechanism: loss of function.

Allele frequency attached by ClinVar (database versions not stated): gnomAD exomes below 0.00001.
gnomAD v4.1: 1 of 1,614,150 alleles (0.000062%); highest among the groups gnomAD compares: Admixed American, 0.0017%; no homozygotes.

Submissions (3):

Ambry Genetics
Classification: Uncertain significance for Hereditary cancer-predisposing syndrome. Last evaluated: 2025-10-28. Review status: criteria provided, single submitter. Criteria: Ambry Variant Classification Scheme 2023. Collection method: clinical testing. Allele origin: germline.
Comment: The p.D134V variant (also known as c.401A>T), located in coding exon 2 of the CHEK2 gene, results from an A to T substitution at nucleotide position 401. The aspartic acid at codon 134 is replaced by valine, an amino acid with highly dissimilar properties. This amino acid position is not well conserved in available vertebrate species. In addition, the in silico prediction for this alteration is inconclusive. Based on the available evidence, the clinical significance of this variant remains unclear.

Labcorp Genetics (formerly Invitae), Labcorp
Classification: Uncertain significance for Familial cancer of breast. Last evaluated: 2023-08-19. Review status: criteria provided, single submitter. Criteria: Invitae Variant Classification Sherloc (09022015). Collection method: clinical testing. Allele origin: germline.
Comment: An algorithm developed to predict the effect of missense changes on protein structure and function (PolyPhen-2) suggests that this variant is likely to be tolerated. In summary, the available evidence is currently insufficient to determine the role of this variant in disease. Therefore, it has been classified as a Variant of Uncertain Significance. ClinVar contains an entry for this variant (Variation ID: 576461). This variant has not been reported in the literature in individuals affected with CHEK2-related conditions. This variant is present in population databases (no rsID available, gnomAD 0.003%). This sequence change replaces aspartic acid, which is acidic and polar, with valine, which is neutral and non-polar, at codon 134 of the CHEK2 protein (p.Asp134Val).

Baylor Genetics
Classification: Uncertain significance for Familial cancer of breast. Last evaluated: 2023-07-27. Review status: criteria provided, single submitter. Criteria: ACMG Guidelines, 2015. Collection method: clinical testing. Allele origin: unknown.